The following is an entry in ClinVar:

NM_017827.4(SARS2):c.7G>A (p.Ala3Thr)

Genes: SARS2 (seryl-tRNA synthetase 2, mitochondrial; minus strand), LOC130064387 (ATAC-STARR-seq lymphoblastoid active region 14604; plus strand). Cytogenetic location: 19q13.2.
Variant type: single nucleotide variant.
Coding change: c.7G>A on transcript NM_017827.4 (MANE Select); coding-DNA position 7, G replaced by A.
Protein change: p.Ala3Thr; replaces alanine 3 with threonine.
Molecular consequence: missense variant.
Genome position (GRCh38, 1-based): chr19:38,930,730, C>T on the plus strand (G>A on the coding strand, the complement: SARS2 is on the minus strand). VCF-style: chr19-38930730-C-T. GRCh37 (hg19) VCF-style: chr19-39421370-C-T.
Other names: c.7G>A, p.Ala3Thr (NM_001145901.2); short protein forms A3T.
Identifiers: ClinVar variation 3252709 (VCV003252709.1), dbSNP rs763760463.

ClinVar aggregate classification (germline): Uncertain significance (1 of 4 stars; one submission).

Allele frequency attached by ClinVar (database versions not stated): gnomAD 0.00002; TOPMed 0.00003.

Submission:

GeneDx
Classification: Uncertain significance. Last evaluated: 2023-12-12. Review status: criteria provided, single submitter. Criteria: GeneDx Variant Classification Process June 2021. Collection method: clinical testing. Allele origin: germline. Affected: yes.
Comment: Not observed at significant frequency in large population cohorts (gnomAD); In silico analysis supports that this missense variant does not alter protein structure/function; Has not been previously published as pathogenic or benign to our knowledge